The following is an entry in ClinVar:

ClinVar aggregate classification (germline): Uncertain significance (1 of 4 stars; one submission).

Conditions:
Epidermodysplasia verruciformis. Identifiers: Orphanet 302, MedGen C0014522, MONDO:0009176.

Allele frequency attached by ClinVar (database versions not stated): gnomAD exomes below 0.00001; TOPMed below 0.00001.

Submission:

Labcorp Genetics (formerly Invitae), Labcorp
Classification: Uncertain significance for Epidermodysplasia verruciformis. Last evaluated: 2024-12-31. Review status: criteria provided, single submitter. Criteria: Invitae Variant Classification Sherloc (09022015). Collection method: clinical testing. Allele origin: germline.
Comment: This sequence change replaces proline, which is neutral and non-polar, with leucine, which is neutral and non-polar, at codon 365 of the TMC8 protein (p.Pro365Leu). This variant is not present in population databases (gnomAD no frequency). This variant has not been reported in the literature in individuals affected with TMC8-related conditions. ClinVar contains an entry for this variant (Variation ID: 1946250). Invitae Evidence Modeling of protein sequence and biophysical properties (such as structural, functional, and spatial information, amino acid conservation, physicochemical variation, residue mobility, and thermodynamic stability) indicates that this missense variant is not expected to disrupt TMC8 protein function with a negative predictive value of 80%. In summary, the available evidence is currently insufficient to determine the role of this variant in disease. Therefore, it has been classified as a Variant of Uncertain Significance.

NM_152468.5(TMC8):c.1094C>T (p.Pro365Leu)

Gene: TMC8 (transmembrane channel like 8; plus strand). Cytogenetic location: 17q25.3.
Variant type: single nucleotide variant.
Coding change: c.1094C>T on transcript NM_152468.5 (MANE Select); coding-DNA position 1094, C replaced by T.
Protein change: p.Pro365Leu; replaces proline 365 with leucine.
Molecular consequence: missense variant.
Genome position (GRCh38, 1-based): chr17:78,134,976, C>T. VCF-style: chr17-78134976-C-T. GRCh37 (hg19) VCF-style: chr17-76131057-C-T.
Other names: short protein forms P365L.
Identifiers: ClinVar variation 1946250 (VCV001946250.5), dbSNP rs2075183922, ClinGen allele CA401246339.